The following is an entry in ClinVar:

ClinVar aggregate classification (germline): Uncertain significance (1 of 4 stars; one submission).

Conditions:
MTOR-related disorder. Also called: MTOR-related condition.

Allele frequency attached by ClinVar (database versions not stated): gnomAD 0.00001; gnomAD exomes 0.00001; TOPMed 0.00001.

Submission:

PreventionGenetics, part of Exact Sciences
Classification: Uncertain significance for MTOR-related condition. Last evaluated: 2023-09-03. Review status: criteria provided, single submitter. Criteria: ACMG Guidelines, 2015. Collection method: clinical testing. Allele origin: germline.
Comment: The MTOR c.6520C>A variant is predicted to result in the amino acid substitution p.Leu2174Ile. To our knowledge, this variant has not been reported in the literature or in a large population database, indicating this variant is rare. At this time, the clinical significance of this variant is uncertain due to the absence of conclusive functional and genetic evidence.

NM_004958.4(MTOR):c.6520C>A (p.Leu2174Ile)

Gene: MTOR (mechanistic target of rapamycin kinase; minus strand). Cytogenetic location: 1p36.22.
Variant type: single nucleotide variant.
Coding change: c.6520C>A on transcript NM_004958.4 (MANE Select); coding-DNA position 6520, C replaced by A.
Protein change: p.Leu2174Ile; replaces leucine 2174 with isoleucine.
Molecular consequence: missense variant.
Genome position (GRCh38, 1-based): chr1:11,126,628, G>T on the plus strand (C>A on the coding strand, the complement: MTOR is on the minus strand). VCF-style: chr1-11126628-G-T. GRCh37 (hg19) VCF-style: chr1-11186685-G-T.
Other names: c.6520C>A, p.Leu2174Ile (NM_001386500.1); c.5272C>A, p.Leu1758Ile (NM_001386501.1); short protein forms L1758I, L2174I.
Identifiers: ClinVar variation 2632137 (VCV002632137.1), dbSNP rs1642854166, ClinGen allele CA338388983.